The following is an entry in ClinVar:

NM_198525.3(KIF7):c.3761_3778del (p.Leu1254_Pro1259del)

Gene: KIF7 (kinesin family member 7; minus strand). Cytogenetic location: 15q26.1.
Variant type: Deletion.
Coding change: c.3761_3778del on transcript NM_198525.3 (MANE Select); coding-DNA positions 3761 to 3778, 18 bases deleted (TCACTGAGGGGGCCCCCC).
Protein change: p.Leu1254_Pro1259del.
Molecular consequence: inframe deletion.
Genome position (GRCh38, 1-based): chr15:89,628,673-89,628,690, GGGGGGCCCCCTCAGTGA deleted on the plus strand (TCACTGAGGGGGCCCCCC on the coding strand, the reverse complement: KIF7 is on the minus strand); deleting any 18 consecutive bases within chr15:89,628,673-89,628,696 gives the same sequence; the c. name uses the placement nearest the transcript's 3' end. VCF-style (leftmost placement, unchanged base first): chr15-89628672-CGGGGGGCCCCCTCAGTGA-C. GRCh37 (hg19) VCF-style: chr15-90171903-CGGGGGGCCCCCTCAGTGA-C.
Identifiers: ClinVar variation 1215057 (VCV001215057.8), dbSNP rs749230267, ClinGen allele CA7727536.

ClinVar aggregate classification (germline): Uncertain significance. Review status: criteria provided, multiple submitters, no conflicts (2 of 4 stars). 3 submissions from 3 submitters: Uncertain significance (3). Last evaluated 2022-11-03.

Conditions:
Acrocallosal syndrome (ACLS). Also called: Schinzel syndrome 1; Absence of corpus callosum with unusual facial appearance, mental deficiency, duplication of the halluces and polydactyly; HALLUX DUPLICATION, POSTAXIAL POLYDACTYLY, AND ABSENCE OF CORPUS CALLOSUM. Identifiers: Orphanet 36, MedGen C0796147, MONDO:0008708, OMIM 200990.

Submissions (3):

Blueprint Genetics
Classification: Uncertain significance. Last evaluated: 2022-11-03. Review status: criteria provided, single submitter. Criteria: ACMG Guidelines, 2015. Collection method: clinical testing. Allele origin: germline.

Labcorp Genetics (formerly Invitae), Labcorp
Classification: Uncertain significance for Acrocallosal syndrome. Last evaluated: 2022-10-24. Review status: criteria provided, single submitter. Criteria: Invitae Variant Classification Sherloc (09022015). Collection method: clinical testing. Allele origin: germline.
Comment: ClinVar contains an entry for this variant (Variation ID: 1215057). This variant, c.3761_3778del, results in the deletion of 6 amino acid(s) of the KIF7 protein (p.Leu1254_Pro1259del), but otherwise preserves the integrity of the reading frame. This variant is present in population databases (rs749230267, gnomAD 0.009%). This variant has not been reported in the literature in individuals affected with KIF7-related conditions. Experimental studies and prediction algorithms are not available or were not evaluated, and the functional significance of this variant is currently unknown. In summary, the available evidence is currently insufficient to determine the role of this variant in disease. Therefore, it has been classified as a Variant of Uncertain Significance.

GeneDx
Classification: Uncertain significance. Last evaluated: 2020-11-23. Review status: criteria provided, single submitter. Criteria: GeneDx Variant Classification Process June 2021. Collection method: clinical testing. Allele origin: germline. Affected: yes.
Comment: Not observed at a significant frequency in large population cohorts (Lek et al., 2016); In-frame deletion of 6 amino acids in a non-repeat region; In silico analysis supports a deleterious effect on protein structure/function; Has not been previously published as pathogenic or benign to our knowledge